The following is an entry in ClinVar:

NM_153717.3(EVC):c.1750dup (p.Gln584fs)

Gene: EVC (EvC ciliary complex subunit 1; plus strand). Cytogenetic location: 4p16.2.
Variant type: Duplication.
Coding change: c.1750dup on transcript NM_153717.3 (MANE Select); coding-DNA position 1750, one base duplicated (C; older notation c.1750dupC).
Protein change: p.Gln584fs; shifts the reading frame from glutamine 584.
Molecular consequence: frameshift variant.
Genome position (GRCh38, 1-based): chr4:5,783,738, C duplicated; the last of 2 consecutive C bases (chr4:5,783,737-5,783,738); duplicating either gives the same sequence. VCF-style (leftmost placement, unchanged base first): chr4-5783736-T-TC. GRCh37 (hg19) VCF-style: chr4-5785463-T-TC.
Other names: c.1750dup, p.Gln584fs (NM_001306090.2); short protein forms Q584fs.
Identifiers: ClinVar variation 2950748 (VCV002950748.4), dbSNP rs1736000365, ClinGen allele CA1435509591.

ClinVar aggregate classification (germline): Pathogenic. Review status: criteria provided, multiple submitters, no conflicts (2 of 4 stars). 2 submissions from 2 submitters: Pathogenic (2). Last evaluated 2023-09-19.

Conditions:
Ellis-van Creveld syndrome (EVC). Also called: MESOECTODERMAL DYSPLASIA; Chondroectodermal dysplasia. Identifiers: Orphanet 289, MedGen C0013903, MONDO:0009162, OMIM 225500.
Curry-Hall syndrome (WAD). Also called: WEYERS ACRODENTAL DYSOSTOSIS. Identifiers: Orphanet 952, MedGen C0457013, MONDO:0008673, OMIM 193530.

Submissions (2):

Myriad Genetics, Inc.
Classification: Pathogenic for Ellis-van Creveld syndrome. Last evaluated: 2023-09-19. Review status: criteria provided, single submitter. Criteria: Myriad Autosomal Dominant, Autosomal Recessive and X-Linked Classification Criteria (2023). Collection method: clinical testing. Allele origin: unknown.
Comment: NM_153717.2(EVC):c.1750dupC(Q584Pfs*45) is expected to be pathogenic in the context of EVC-related Ellis-van Creveld syndrome. This variant is predicted to lead to an abnormal or absent protein product due to the creation of a premature termination codon in EVC, a gene where loss-of-function variants are known to be pathogenic. Please note: this variant was assessed in the context of healthy population screening.

Labcorp Genetics (formerly Invitae), Labcorp
Classification: Pathogenic for Curry-Hall syndrome; Ellis-van Creveld syndrome. Last evaluated: 2023-08-14. Review status: criteria provided, single submitter. Criteria: Invitae Variant Classification Sherloc (09022015). Collection method: clinical testing. Allele origin: germline.
Comment: This sequence change creates a premature translational stop signal (p.Gln584Profs*45) in the EVC gene. It is expected to result in an absent or disrupted protein product. Loss-of-function variants in EVC are known to be pathogenic (PMID: 23220543). This variant is not present in population databases (gnomAD no frequency). This variant has not been reported in the literature in individuals affected with EVC-related conditions. For these reasons, this variant has been classified as Pathogenic.

Literature cited by the submitters: PubMed 23220543 (cited by Labcorp Genetics (formerly Invitae), Labcorp).